The following is an entry in ClinVar:

ClinVar aggregate classification (germline): Uncertain significance. Review status: criteria provided, multiple submitters, no conflicts (2 of 4 stars). 2 submissions from 2 submitters: Uncertain significance (2). Last evaluated 2024-07-11.

Submissions (2):

GeneDx
Classification: Uncertain significance. Last evaluated: 2024-07-11. Review status: criteria provided, single submitter. Criteria: GeneDx Variant Classification Process June 2021. Collection method: clinical testing. Allele origin: germline. Affected: yes.
Comment: Not observed at significant frequency in large population cohorts (gnomAD); In silico analysis supports that this missense variant has a deleterious effect on protein structure/function; Has not been previously published as pathogenic or benign to our knowledge; Located in one of the three hot-spot regions of the RYR2 gene, where the majority of pathogenic missense variants occur (PMID: 19926015); This variant is associated with the following publications: (PMID: 19926015)

Blueprint Genetics
Classification: Uncertain significance. Last evaluated: 2023-06-30. Review status: criteria provided, single submitter. Criteria: ACMG Guidelines, 2015. Collection method: clinical testing. Allele origin: germline.

NM_001035.3(RYR2):c.7273T>C (p.Ser2425Pro)

Gene: RYR2 (ryanodine receptor 2; plus strand). Cytogenetic location: 1q43.
Variant type: single nucleotide variant.
Coding change: c.7273T>C on transcript NM_001035.3 (MANE Select); coding-DNA position 7273, T replaced by C.
Protein change: p.Ser2425Pro; replaces serine 2425 with proline.
Molecular consequence: missense variant.
Genome position (GRCh38, 1-based): chr1:237,643,378, T>C. VCF-style: chr1-237643378-T-C. GRCh37 (hg19) VCF-style: chr1-237806678-T-C.
Other names: short protein forms S2425P.
Identifiers: ClinVar variation 3572845 (VCV003572845.2).